The following is an entry in ClinVar:

ClinVar aggregate classification (germline): Uncertain significance. Review status: criteria provided, multiple submitters, no conflicts (2 of 4 stars). 2 submissions from 2 submitters: Uncertain significance (2). Last evaluated 2026-01-25.

Conditions:
Primary dilated cardiomyopathy (DCM). Also called: Dilated Cardiomyopathy. Identifiers: Orphanet 217604, MedGen C0007193, MeSH D002311, MONDO:0005021, HP:0001644. Inheritance: Various modes of inheritance.

Allele frequency attached by ClinVar (database versions not stated): ExAC 0.00001; TOPMed 0.00001; gnomAD 0.00002.

Submissions (2):

Labcorp Genetics (formerly Invitae), Labcorp
Classification: Uncertain significance for Primary dilated cardiomyopathy. Last evaluated: 2026-01-25. Review status: criteria provided, single submitter. Criteria: Invitae Variant Classification Sherloc (09022015). Collection method: clinical testing. Allele origin: germline.
Comment: This sequence change replaces aspartic acid, which is acidic and polar, with asparagine, which is neutral and polar, at codon 964 of the NEBL protein (p.Asp964Asn). This variant is present in population databases (rs746529858, gnomAD 0.002%). This variant has not been reported in the literature in individuals affected with NEBL-related conditions. ClinVar contains an entry for this variant (Variation ID: 2201576). An algorithm developed to predict the effect of missense changes on protein structure and function (PolyPhen-2) suggests that this variant is likely to be disruptive. In summary, the available evidence is currently insufficient to determine the role of this variant in disease. Therefore, it has been classified as a Variant of Uncertain Significance.

Ambry Genetics
Classification: Uncertain significance. Last evaluated: 2024-07-14. Review status: criteria provided, single submitter. Criteria: Ambry Variant Classification Scheme 2023. Collection method: clinical testing. Allele origin: germline.

NM_006393.3(NEBL):c.2890G>A (p.Asp964Asn)

Gene: NEBL (nebulette; minus strand). Cytogenetic location: 10p12.31.
Variant type: single nucleotide variant.
Coding change: c.2890G>A on transcript NM_006393.3 (MANE Select); coding-DNA position 2890, G replaced by A.
Protein change: p.Asp964Asn; replaces aspartic acid 964 with asparagine.
Molecular consequence: missense variant.
Genome position (GRCh38, 1-based): chr10:20,785,902, C>T on the plus strand (G>A on the coding strand, the complement: NEBL is on the minus strand). VCF-style: chr10-20785902-C-T. GRCh37 (hg19) VCF-style: chr10-21074831-C-T.
Other names: c.656G>A, p.Arg219Gln (NM_001173484.2); c.751G>A, p.Asp251Asn (NM_001377322.1); c.610G>A, p.Asp204Asn (NM_001377323.1); c.601G>A, p.Asp201Asn (NM_001377324.1); c.592G>A, p.Asp198Asn (NM_001377325.1); c.550G>A, p.Asp184Asn (NM_001377326.1, NM_001377327.1, NM_001377328.1); c.658G>A, p.Asp220Asn (NM_213569.2); short protein forms D201N, D184N, D204N, D220N, D964N, R219Q, D198N, D251N.
Identifiers: ClinVar variation 2201576 (VCV002201576.5), dbSNP rs746529858, ClinGen allele CA5432271.